The following is an entry in ClinVar:

NM_000094.4(COL7A1):c.3703C>T (p.Gln1235Ter)

Gene: COL7A1 (collagen type VII alpha 1 chain; minus strand). Cytogenetic location: 3p21.31.
Variant type: single nucleotide variant.
Coding change: c.3703C>T on transcript NM_000094.4 (MANE Select); coding-DNA position 3703, C replaced by T.
Protein change: p.Gln1235Ter; replaces glutamine 1235 with a stop codon.
Molecular consequence: nonsense.
Genome position (GRCh38, 1-based): chr3:48,586,094, G>A on the plus strand (C>T on the coding strand, the complement: COL7A1 is on the minus strand). VCF-style: chr3-48586094-G-A. GRCh37 (hg19) VCF-style: chr3-48623527-G-A.
Other names: short protein forms Q1235*.
Identifiers: ClinVar variation 2015680 (VCV002015680.6), dbSNP rs1354674050, ClinGen allele CA352702711.

ClinVar aggregate classification (germline): Pathogenic/Likely pathogenic. Review status: criteria provided, multiple submitters, no conflicts (2 of 4 stars). 3 submissions from 3 submitters: Pathogenic (2); Likely pathogenic (1). Last evaluated 2024-10-25.

Conditions:
Epidermolysis bullosa dystrophica. Also called: Dystrophic epidermolysis bullosa, Hallopeau-Siemens type (formerly); Dystrophic epidermolysis bullosa. Identifiers: Orphanet 303, MedGen C0079294, MONDO:0006543.
Recessive dystrophic epidermolysis bullosa (RDEB). Also called: Recessive DEB (RDEB); DYSTROPHIC EPIDERMOLYSIS BULLOSA, AUTOSOMAL RECESSIVE; EPIDERMOLYSIS BULLOSA DYSTROPHICA, HALLOPEAU-SIEMENS TYPE; Epidermolysis Bullosa Distrophica Autosomal Recessive (RDEB); Hallopeau-Siemens Disease; severe generalized recessive dystrophic epidermolysis bullosa. Identifiers: Orphanet 79408, Orphanet 79409, MedGen C0079474, MONDO:0009179, OMIM 226600.

Allele frequency attached by ClinVar (database versions not stated): TOPMed 0.00001; gnomAD 0.00001.
gnomAD v4.1: 1 of 1,613,472 alleles (0.000062%); highest among the groups gnomAD compares: African/African-American, 0.0013%; no homozygotes.

Submissions (3):

Natera, Inc.
Classification: Likely pathogenic for Dystrophic epidermolysis bullosa. Last evaluated: 2024-10-25. Review status: criteria provided, single submitter. Criteria: Natera Variant Classification Schema (03/2026). Collection method: clinical testing. Allele origin: germline.
Comment: The c.3703C>T variant in COL7A1 is a nonsense variant predicted to introduce a stop codon at amino acid 1235. This variant is expected to result in nonsense mediated decay, truncation, or a dysfunctional protein product. This variant is rare in the general population with a frequency below the threshold expected for the associated phenotype(s). Given the available evidence, this variant is classified as Likely Pathogenic.

Myriad Genetics, Inc.
Classification: Pathogenic for Recessive dystrophic epidermolysis bullosa. Last evaluated: 2024-07-30. Review status: criteria provided, single submitter. Criteria: Myriad Autosomal Dominant, Autosomal Recessive and X-Linked Classification Criteria (2023). Collection method: clinical testing. Allele origin: unknown.
Comment: NM_000094.3(COL7A1):c.3703C>T(Q1235*) is expected to be pathogenic in the context of dystrophic epidermolysis bullosa. This variant is predicted to lead to an abnormal or absent protein product due to the creation of a premature termination codon in COL7A1, a gene where loss-of-function variants are known to be pathogenic. Please note: this variant was assessed in the context of healthy population screening.

Labcorp Genetics (formerly Invitae), Labcorp
Classification: Pathogenic. Last evaluated: 2023-12-12. Review status: criteria provided, single submitter. Criteria: Invitae Variant Classification Sherloc (09022015). Collection method: clinical testing. Allele origin: germline.
Comment: This sequence change creates a premature translational stop signal (p.Gln1235*) in the COL7A1 gene. It is expected to result in an absent or disrupted protein product. Loss-of-function variants in COL7A1 are known to be pathogenic (PMID: 16971478). This variant is not present in population databases (gnomAD no frequency). This variant has not been reported in the literature in individuals affected with COL7A1-related conditions. ClinVar contains an entry for this variant (Variation ID: 2015680). Algorithms developed to predict the effect of sequence changes on RNA splicing suggest that this variant may disrupt the consensus splice site. For these reasons, this variant has been classified as Pathogenic.

Literature cited by the submitters: PubMed 16971478 (cited by Labcorp Genetics (formerly Invitae), Labcorp).